The following is an entry in ClinVar:

ClinVar aggregate classification (germline): Uncertain significance. Review status: criteria provided, multiple submitters, no conflicts (2 of 4 stars). 2 submissions from 2 submitters: Uncertain significance (2). Last evaluated 2025-08-04.

Conditions:
Marinesco-Sjögren syndrome (MSS). Also called: Marinesco-Sjogren Syndrome; Marinesco-SjÃ¶gren syndrome. Identifiers: Orphanet 559, MedGen C0024814, MONDO:0009567, OMIM 248800.
Inborn genetic diseases. Identifiers: MedGen C0950123, MeSH D030342.

Allele frequency attached by ClinVar (database versions not stated): 1000 Genomes Project 0.00060; 1000 Genomes Project 30x 0.00062.
gnomAD v4.1: 28 of 1,613,584 alleles (0.0017%); highest among the groups gnomAD compares: African/African-American, 0.02%; no homozygotes.

Submissions (2):

Ambry Genetics
Classification: Uncertain significance for Inborn genetic diseases. Last evaluated: 2025-08-04. Review status: criteria provided, single submitter. Criteria: Ambry Variant Classification Scheme 2023. Collection method: clinical testing. Allele origin: germline.

Labcorp Genetics (formerly Invitae), Labcorp
Classification: Uncertain significance for Marinesco-Sjögren syndrome. Last evaluated: 2022-01-21. Review status: criteria provided, single submitter. Criteria: Invitae Variant Classification Sherloc (09022015). Collection method: clinical testing. Allele origin: germline.
Comment: In summary, the available evidence is currently insufficient to determine the role of this variant in disease. Therefore, it has been classified as a Variant of Uncertain Significance. Algorithms developed to predict the effect of missense changes on protein structure and function (SIFT, PolyPhen-2, Align-GVGD) all suggest that this variant is likely to be tolerated. This variant has not been reported in the literature in individuals affected with SIL1-related conditions. This variant is present in population databases (rs138448654, gnomAD 0.03%). This sequence change replaces arginine, which is basic and polar, with leucine, which is neutral and non-polar, at codon 413 of the SIL1 protein (p.Arg413Leu).

NM_022464.5(SIL1):c.1238G>T (p.Arg413Leu)

Gene: SIL1 (SIL1 nucleotide exchange factor; minus strand). Cytogenetic location: 5q31.2.
Variant type: single nucleotide variant.
Coding change: c.1238G>T on transcript NM_022464.5 (MANE Select); coding-DNA position 1238, G replaced by T.
Protein change: p.Arg413Leu; replaces arginine 413 with leucine.
Molecular consequence: missense variant.
Genome position (GRCh38, 1-based): chr5:138,947,265, C>A on the plus strand (G>T on the coding strand, the complement: SIL1 is on the minus strand). VCF-style: chr5-138947265-C-A. GRCh37 (hg19) VCF-style: chr5-138282954-C-A.
Other names: c.1238G>T, p.Arg413Leu (NM_001037633.2); c.1238G>T (NM_022464.4); short protein forms R413L.
Identifiers: ClinVar variation 1925918 (VCV001925918.4), dbSNP rs138448654, ClinGen allele CA3432338.